The following is an entry in ClinVar:

NM_022166.4(XYLT1):c.262G>A (p.Gly88Arg)

Gene: XYLT1 (xylosyltransferase 1; minus strand). Cytogenetic location: 16p12.3.
Variant type: single nucleotide variant.
Coding change: c.262G>A on transcript NM_022166.4 (MANE Select); coding-DNA position 262, G replaced by A.
Protein change: p.Gly88Arg; replaces glycine 88 with arginine.
Molecular consequence: missense variant.
Genome position (GRCh38, 1-based): chr16:17,470,535, C>T on the plus strand (G>A on the coding strand, the complement: XYLT1 is on the minus strand). VCF-style: chr16-17470535-C-T. GRCh37 (hg19) VCF-style: chr16-17564392-C-T.
Other names: short protein forms G88R.
Identifiers: ClinVar variation 1010822 (VCV001010822.6), dbSNP rs1251643007, ClinGen allele CA395220072.

ClinVar aggregate classification (germline): Uncertain significance (1 of 4 stars; one submission).

Conditions:
Desbuquois dysplasia 1 (DBQD1). Also called: MICROMELIC DWARFISM WITH VERTEBRAL AND METAPHYSEAL ABNORMALITIES AND ADVANCED CARPOTARSAL OSSIFICATION; DESBUQUOIS DYSPLASIA 1, KIM VARIANT. Identifiers: Orphanet 1425, MedGen C4012146, MONDO:0009629, OMIM 251450.

Allele frequency attached by ClinVar (database versions not stated): gnomAD exomes below 0.00001; gnomAD 0.00003; TOPMed 0.00003.
gnomAD v4.1: 10 of 1,225,608 alleles (0.00082%); highest among the groups gnomAD compares: Admixed American, 0.013%; no homozygotes.

Submission:

Labcorp Genetics (formerly Invitae), Labcorp
Classification: Uncertain significance for Desbuquois dysplasia 1. Last evaluated: 2024-02-23. Review status: criteria provided, single submitter. Criteria: Invitae Variant Classification Sherloc (09022015). Collection method: clinical testing. Allele origin: germline.
Comment: This sequence change replaces glycine, which is neutral and non-polar, with arginine, which is basic and polar, at codon 88 of the XYLT1 protein (p.Gly88Arg). This variant is not present in population databases (gnomAD no frequency). This variant has not been reported in the literature in individuals affected with XYLT1-related conditions. ClinVar contains an entry for this variant (Variation ID: 1010822). Advanced modeling of protein sequence and biophysical properties (such as structural, functional, and spatial information, amino acid conservation, physicochemical variation, residue mobility, and thermodynamic stability) performed at Invitae indicates that this missense variant is not expected to disrupt XYLT1 protein function with a negative predictive value of 80%. In summary, the available evidence is currently insufficient to determine the role of this variant in disease. Therefore, it has been classified as a Variant of Uncertain Significance.